The following is an entry in ClinVar:

ClinVar aggregate classification (germline): Uncertain significance (1 of 4 stars; one submission).

gnomAD v4.1: 3 of 1,612,262 alleles (0.00019%); highest among the groups gnomAD compares: Middle Eastern, 0.017%; no homozygotes.

Submission:

Labcorp Genetics (formerly Invitae), Labcorp
Classification: Uncertain significance. Last evaluated: 2024-05-13. Review status: criteria provided, single submitter. Criteria: Invitae Variant Classification Sherloc (09022015). Collection method: clinical testing. Allele origin: germline.
Comment: This sequence change affects a donor splice site in intron 3 of the SPP2 gene. It is expected to disrupt RNA splicing. Variants that disrupt the donor or acceptor splice site typically lead to a loss of protein function (PMID: 16199547), however the current clinical and genetic evidence is not sufficient to establish whether loss-of-function variants in SPP2 cause disease. This variant is present in population databases (no rsID available, gnomAD 0.007%). This variant has not been reported in the literature in individuals affected with SPP2-related conditions. Algorithms developed to predict the effect of sequence changes on RNA splicing suggest that this variant may disrupt the consensus splice site. In summary, the available evidence is currently insufficient to determine the role of this variant in disease. Therefore, it has been classified as a Variant of Uncertain Significance.

Literature cited by the submitters: PubMed 16199547.

NM_006944.3(SPP2):c.333+1G>A

Gene: SPP2 (secreted phosphoprotein 2; plus strand). Cytogenetic location: 2q37.1.
Variant type: single nucleotide variant.
Coding change: c.333+1G>A on transcript NM_006944.3 (MANE Select); the canonical splice donor site of the intron after coding-DNA position 333, G replaced by A.
Molecular consequence: splice donor variant.
Genome position (GRCh38, 1-based): chr2:234,058,959, G>A. VCF-style: chr2-234058959-G-A. GRCh37 (hg19) VCF-style: chr2-234967603-G-A.
Identifiers: ClinVar variation 3682622 (VCV003682622.2).